The following is an entry in ClinVar:

ClinVar aggregate classification (germline): Uncertain significance (1 of 4 stars; one submission).

Conditions:
Hereditary cancer-predisposing syndrome. Also called: Neoplastic Syndromes, Hereditary; Hereditary Cancer Syndrome; Tumor predisposition; Hereditary neoplastic syndrome. Identifiers: Orphanet 140162, MedGen C0027672, MeSH D009386, MONDO:0015356.

Submission:

Color Diagnostics, LLC DBA Color Health
Classification: Uncertain significance for Hereditary cancer-predisposing syndrome. Last evaluated: 2023-12-05. Review status: criteria provided, single submitter. Criteria: ACMG Guidelines, 2015. Collection method: clinical testing. Allele origin: germline.
Comment: This missense variant replaces methionine with lysine at codon 524 of the BMPR1A protein. Computational prediction tools and conservation analyses suggest that this variant may have deleterious impact on the protein function. Computational splicing tools suggest that this variant may not impact RNA splicing. To our knowledge, functional assays have not been performed for this variant nor has this variant been reported in individuals affected with hereditary cancer in the literature. This variant has not been identified in the general population by the Genome Aggregation Database (gnomAD). Available evidence is insufficient to determine the role of this variant in disease conclusively. Therefore, this variant is classified as a Variant of Uncertain Significance.

NM_004329.3(BMPR1A):c.1571T>A (p.Met524Lys)

Gene: BMPR1A (bone morphogenetic protein receptor type 1A; plus strand). Cytogenetic location: 10q23.2.
Variant type: single nucleotide variant.
Coding change: c.1571T>A on transcript NM_004329.3 (MANE Select); coding-DNA position 1571, T replaced by A.
Protein change: p.Met524Lys; replaces methionine 524 with lysine.
Molecular consequence: missense variant.
Genome position (GRCh38, 1-based): chr10:86,923,691, T>A. VCF-style: chr10-86923691-T-A. GRCh37 (hg19) VCF-style: chr10-88683448-T-A.
Other names: short protein forms M524K.
Identifiers: ClinVar variation 928411 (VCV000928411.5), dbSNP rs1843703476, ClinGen allele CA377464001.